The following is an entry in ClinVar:

NM_001845.6(COL4A1):c.2264G>A (p.Gly755Glu)

Gene: COL4A1 (collagen type IV alpha 1 chain; minus strand). Cytogenetic location: 13q34.
Variant type: single nucleotide variant.
Coding change: c.2264G>A on transcript NM_001845.6 (MANE Select); coding-DNA position 2264, G replaced by A.
Protein change: p.Gly755Glu; replaces glycine 755 with glutamic acid.
Molecular consequence: missense variant.
Genome position (GRCh38, 1-based): chr13:110,179,351, C>T on the plus strand (G>A on the coding strand, the complement: COL4A1 is on the minus strand). VCF-style: chr13-110179351-C-T. GRCh37 (hg19) VCF-style: chr13-110831698-C-T.
Other names: short protein forms G755E.
Identifiers: ClinVar variation 1489144 (VCV001489144.6), dbSNP rs1878041974, ClinGen allele CA388668684.

ClinVar aggregate classification (germline): Likely pathogenic (1 of 4 stars; one submission).

Submission:

Labcorp Genetics (formerly Invitae), Labcorp
Classification: Likely pathogenic. Last evaluated: 2022-08-23. Review status: criteria provided, single submitter. Criteria: Invitae Variant Classification Sherloc (09022015). Collection method: clinical testing. Allele origin: germline.
Comment: Advanced modeling of protein sequence and biophysical properties (such as structural, functional, and spatial information, amino acid conservation, physicochemical variation, residue mobility, and thermodynamic stability) performed at Invitae indicates that this missense variant is expected to disrupt COL4A1 protein function. This sequence change replaces glycine, which is neutral and non-polar, with glutamic acid, which is acidic and polar, at codon 755 of the COL4A1 protein (p.Gly755Glu). This variant is not present in population databases (gnomAD no frequency). This missense change has been observed in individual(s) with COL4A1-related conditions (Invitae). ClinVar contains an entry for this variant (Variation ID: 1489144). This variant disrupts the triple helix domain of COL4A1. Glycine residues within the Gly-Xaa-Yaa repeats of the triple helix domain are required for the structure and stability of fibrillar collagens (PMID: 7695699, 8218237, 19344236). In COL4A1 variants affecting these glycine residues are significantly enriched in individuals with disease (PMID: 9016532, 17078022) compared to the general population (ExAC). This variant disrupts the p.Gly755 amino acid residue in COL4A1. Other variant(s) that disrupt this residue have been observed in individuals with COL4A1-related conditions (PMID: 19477666, 20385946), which suggests that this may be a clinically significant amino acid residue. In summary, the currently available evidence indicates that the variant is pathogenic, but additional data are needed to prove that conclusively. Therefore, this variant has been classified as Likely Pathogenic.

Literature cited by the submitters: PubMed 7695699; PubMed 8218237; PubMed 19344236; PubMed 9016532; PubMed 17078022; PubMed 19477666; PubMed 20385946.